The following is an entry in ClinVar:

ClinVar aggregate classification (germline): Uncertain significance. Review status: criteria provided, multiple submitters, no conflicts (2 of 4 stars). 2 submissions from 2 submitters: Uncertain significance (2). Last evaluated 2025-10-26.

Conditions:
Long QT syndrome (LQTS). Identifiers: MedGen C0023976, MeSH D008133, MONDO:0002442. Disease mechanism: loss of function. Inheritance: Various modes of inheritance.

Allele frequency attached by ClinVar (database versions not stated): gnomAD exomes below 0.00001; TOPMed below 0.00001.
gnomAD v4.1: 1 of 1,608,536 alleles (0.000062%); highest among the groups gnomAD compares: South Asian, 0.0011%; no homozygotes.

Submissions (2):

Labcorp Genetics (formerly Invitae), Labcorp
Classification: Uncertain significance for Long QT syndrome. Last evaluated: 2025-10-26. Review status: criteria provided, single submitter. Criteria: Invitae Variant Classification Sherloc (09022015). Collection method: clinical testing. Allele origin: germline.
Comment: This sequence change replaces aspartic acid, which is acidic and polar, with asparagine, which is neutral and polar, at codon 824 of the CACNA1C protein (p.Asp824Asn). This variant is not present in population databases (gnomAD no frequency). This variant has not been reported in the literature in individuals affected with CACNA1C-related conditions. ClinVar contains an entry for this variant (Variation ID: 2155253). Invitae Evidence Modeling of protein sequence and biophysical properties (such as structural, functional, and spatial information, amino acid conservation, physicochemical variation, residue mobility, and thermodynamic stability) indicates that this missense variant is not expected to disrupt CACNA1C protein function with a negative predictive value of 80%. In summary, the available evidence is currently insufficient to determine the role of this variant in disease. Therefore, it has been classified as a Variant of Uncertain Significance.

GeneDx
Classification: Uncertain significance. Last evaluated: 2024-08-07. Review status: criteria provided, single submitter. Criteria: GeneDx Variant Classification Process June 2021. Collection method: clinical testing. Allele origin: germline. Affected: yes.
Comment: Not observed at significant frequency in large population cohorts (gnomAD); In silico analysis supports that this missense variant has a deleterious effect on protein structure/function; Has not been previously published as pathogenic or benign to our knowledge

NM_000719.7(CACNA1C):c.2470G>A (p.Asp824Asn)

Gene: CACNA1C (calcium voltage-gated channel subunit alpha1 C; plus strand). Cytogenetic location: 12p13.33.
Variant type: single nucleotide variant.
Coding change: c.2470G>A on transcript NM_000719.7 (MANE Select); coding-DNA position 2470, G replaced by A.
Protein change: p.Asp824Asn; replaces aspartic acid 824 with asparagine.
Molecular consequence: missense variant.
Genome position (GRCh38, 1-based): chr12:2,585,844, G>A. VCF-style: chr12-2585844-G-A. GRCh37 (hg19) VCF-style: chr12-2695010-G-A.
Other names: c.2470G>A, p.Asp824Asn (NM_001129827.2, NM_001129829.2, NM_001129830.3 and 18 more transcripts); c.2461G>A, p.Asp821Asn (NM_001129844.2); short protein forms D824N, D821N.
Identifiers: ClinVar variation 2155253 (VCV002155253.5), dbSNP rs2062221694, ClinGen allele CA383371900.
Genomic context (GRCh38, chr12:2,585,844, plus strand): 5'-CTTGGGGACGTATCTAACTATTCTTCCCCCTTCTCCCCTGTGACTGTCTAGATCAACATG[G>A]ATGACCTCCAGCCCAATGAAAATGAGGATAAGAGCCCCTACCCCAACCCAGAAACTACAG-3'
Protein context (NP_000710.5, residues 814-834): ESPPATKINM[Asp824Asn]DLQPNENEDK